The following is an entry in ClinVar:

NM_006231.4(POLE):c.4144C>T (p.Arg1382Cys)

Gene: POLE (DNA polymerase epsilon, catalytic subunit; minus strand). Cytogenetic location: 12q24.33.
Variant type: single nucleotide variant.
Coding change: c.4144C>T on transcript NM_006231.4 (MANE Select); coding-DNA position 4144, C replaced by T.
Protein change: p.Arg1382Cys; replaces arginine 1382 with cysteine.
Molecular consequence: missense variant.
Genome position (GRCh38, 1-based): chr12:132,648,934, G>A on the plus strand (C>T on the coding strand, the complement: POLE is on the minus strand). VCF-style: chr12-132648934-G-A. GRCh37 (hg19) VCF-style: chr12-133225520-G-A.
Other names: c.4144C>T (NM_006231.2); short protein forms R1382C.
Identifiers: ClinVar variation 473645 (VCV000473645.11), dbSNP rs5744904, ClinGen allele CA246307830.

ClinVar aggregate classification (germline): Uncertain significance. Review status: criteria provided, multiple submitters, no conflicts (2 of 4 stars). 3 submissions from 3 submitters: Uncertain significance (3). Last evaluated 2025-11-15.

Conditions:
Facial dysmorphism-immunodeficiency-livedo-short stature syndrome. Also called: Facial dysmorphism, immunodeficiency, livedo, and short stature; FILS syndrome. Identifiers: Orphanet 352712, MedGen C3554576, MONDO:0014058, OMIM 615139.
Intrauterine growth retardation, metaphyseal dysplasia, adrenal hypoplasia congenita, genital anomalies, and immunodeficiency. Also called: IMAGEI SYNDROME. Identifiers: MedGen C5193036, MONDO:0032684, OMIM 618336.
Colorectal cancer, susceptibility to, 12 (CRCS12). Also called: COLORECTAL CANCER, SUSCEPTIBILITY TO, ON CHROMOSOME 12q24. Identifiers: Orphanet 220460, MedGen C3554460, MONDO:0014038, OMIM 615083.
Hereditary cancer-predisposing syndrome. Also called: Neoplastic Syndromes, Hereditary; Tumor predisposition; Hereditary Cancer Syndrome; Hereditary neoplastic syndrome. Identifiers: Orphanet 140162, MedGen C0027672, MeSH D009386, MONDO:0015356.

Allele frequency attached by ClinVar (database versions not stated): gnomAD 0.00001; TOPMed 0.00003.
gnomAD v4.1: 26 of 1,611,838 alleles (0.0016%); highest among the groups gnomAD compares: East Asian, 0.038%; no homozygotes.

Submissions (3):

Labcorp Genetics (formerly Invitae), Labcorp
Classification: Uncertain significance. Last evaluated: 2025-11-15. Review status: criteria provided, single submitter. Criteria: Invitae Variant Classification Sherloc (09022015). Collection method: clinical testing. Allele origin: germline.
Comment: This sequence change replaces arginine, which is basic and polar, with cysteine, which is neutral and slightly polar, at codon 1382 of the POLE protein (p.Arg1382Cys). This variant is present in population databases (rs5744904, gnomAD 0.02%). This variant has not been reported in the literature in individuals affected with POLE-related conditions. ClinVar contains an entry for this variant (Variation ID: 473645). Invitae Evidence Modeling of protein sequence and biophysical properties (such as structural, functional, and spatial information, amino acid conservation, physicochemical variation, residue mobility, and thermodynamic stability) indicates that this missense variant is not expected to disrupt POLE protein function with a negative predictive value of 80%. In summary, the available evidence is currently insufficient to determine the role of this variant in disease. Therefore, it has been classified as a Variant of Uncertain Significance.

Ambry Genetics
Classification: Uncertain significance for Hereditary cancer-predisposing syndrome. Last evaluated: 2024-12-23. Review status: criteria provided, single submitter. Criteria: Ambry Variant Classification Scheme 2023. Collection method: clinical testing. Allele origin: germline.
Comment: The p.R1382C variant (also known as c.4144C>T), located in coding exon 32 of the POLE gene, results from a C to T substitution at nucleotide position 4144. The arginine at codon 1382 is replaced by cysteine, an amino acid with highly dissimilar properties. This amino acid position is well conserved in available vertebrate species. In addition, this alteration is predicted to be tolerated by in silico analysis. Based on the available evidence, the clinical significance of this variant remains unclear.

Fulgent Genetics
Classification: Uncertain significance for Colorectal cancer, susceptibility to, 12; Facial dysmorphism-immunodeficiency-livedo-short stature syndrome; Intrauterine growth retardation, metaphyseal dysplasia, adrenal hypoplasia congenita, genital anomalies, and immunodeficiency. Last evaluated: 2024-01-12. Review status: criteria provided, single submitter. Criteria: ACMG Guidelines, 2015. Collection method: clinical testing. Allele origin: germline.